The following is an entry in ClinVar:

ClinVar aggregate classification (germline): Uncertain significance (1 of 4 stars; one submission).

Submission:

Labcorp Genetics (formerly Invitae), Labcorp
Classification: Uncertain significance. Last evaluated: 2022-11-10. Review status: criteria provided, single submitter. Criteria: Invitae Variant Classification Sherloc (09022015). Collection method: clinical testing. Allele origin: germline.
Comment: This sequence change replaces proline, which is neutral and non-polar, with serine, which is neutral and polar, at codon 1610 of the TRPM6 protein (p.Pro1610Ser). This variant is not present in population databases (gnomAD no frequency). In summary, the available evidence is currently insufficient to determine the role of this variant in disease. Therefore, it has been classified as a Variant of Uncertain Significance. Algorithms developed to predict the effect of missense changes on protein structure and function output the following: SIFT: "Tolerated"; PolyPhen-2: "Benign"; Align-GVGD: "Class C0". The serine amino acid residue is found in multiple mammalian species, which suggests that this missense change does not adversely affect protein function. This variant has not been reported in the literature in individuals affected with TRPM6-related conditions.

NM_017662.5(TRPM6):c.4828C>T (p.Pro1610Ser)

Gene: TRPM6 (transient receptor potential cation channel subfamily M member 6; minus strand). Cytogenetic location: 9q21.13.
Variant type: single nucleotide variant.
Coding change: c.4828C>T on transcript NM_017662.5 (MANE Select); coding-DNA position 4828, C replaced by T.
Protein change: p.Pro1610Ser; replaces proline 1610 with serine.
Molecular consequence: missense variant.
Genome position (GRCh38, 1-based): chr9:74,755,431, G>A on the plus strand (C>T on the coding strand, the complement: TRPM6 is on the minus strand). VCF-style: chr9-74755431-G-A. GRCh37 (hg19) VCF-style: chr9-77370347-G-A.
Other names: c.4813C>T, p.Pro1605Ser (NM_001177310.2, NM_001177311.2); short protein forms P1605S, P1610S.
Identifiers: ClinVar variation 2812836 (VCV002812836.3), dbSNP rs2489866095, ClinGen allele CA373682108.